The following is an entry in ClinVar:

ClinVar aggregate classification (germline): Likely benign (1 of 4 stars; one submission).

Conditions:
PLXNA3-related disorder. Also called: PLXNA3-related condition.

gnomAD v4.1: 4 of 1,202,393 alleles (0.00033%); highest among the groups gnomAD compares: African/African-American, 0.0035%; no homozygotes.

Submission:

PreventionGenetics, part of Exact Sciences
Classification: Likely benign for PLXNA3-related condition. Last evaluated: 2026-06-29. Review status: criteria provided, single submitter. Criteria: ACMG Guidelines, 2015. Collection method: clinical testing. Allele origin: germline.
Comment: This variant is classified as likely benign based on ACMG/AMP sequence variant interpretation guidelines (Richards et al. 2015 PMID: 25741868, with internal and published modifications).

NM_017514.5(PLXNA3):c.1224C>T (p.Ala408=)

Gene: PLXNA3 (plexin A3; plus strand). Cytogenetic location: Xq28.
Variant type: single nucleotide variant.
Coding change: c.1224C>T on transcript NM_017514.5 (MANE Select); coding-DNA position 1224, C replaced by T.
Protein change: p.Ala408=; no amino-acid change (alanine 408 retained).
Molecular consequence: synonymous variant.
Genome position (GRCh38, 1-based): chrX:154,462,217, C>T. VCF-style: chrX-154462217-C-T. GRCh37 (hg19) VCF-style: chrX-153690557-C-T.
Identifiers: ClinVar variation 4995701 (VCV004995701.1).